The following is an entry in ClinVar:

NM_000128.4(F11):c.1716+7G>A

Genes: F11 (coagulation factor XI; plus strand), F11-AS1 (F11 antisense RNA 1; minus strand). Cytogenetic location: 4q35.2.
Variant type: single nucleotide variant.
Coding change: c.1716+7G>A on transcript NM_000128.4 (MANE Select); 7 bases into the intron after coding-DNA position 1716, G replaced by A.
Molecular consequence: intron variant.
Genome position (GRCh38, 1-based): chr4:186,287,830, G>A. VCF-style: chr4-186287830-G-A. GRCh37 (hg19) VCF-style: chr4-187208984-G-A.
Other names: c.1716+7G>A (NM_000128.3).
Identifiers: ClinVar variation 1137755 (VCV001137755.10), dbSNP rs377739025, ClinGen allele CA3164080.

ClinVar aggregate classification (germline): Likely benign. Review status: criteria provided, multiple submitters, no conflicts (2 of 4 stars). 2 submissions from 2 submitters: Likely benign (2). Last evaluated 2024-12-08.

Conditions:
F11-related disorder. Also called: F11-related condition.

Allele frequency attached by ClinVar (database versions not stated): ExAC 0.00002; gnomAD exomes 0.00002; ESP Exome Variant Server 0.00008.
gnomAD v4.1: 19 of 1,611,454 alleles (0.0012%); highest among the groups gnomAD compares: African/African-American, 0.025%; no homozygotes.

Submissions (2):

PreventionGenetics, part of Exact Sciences
Classification: Likely benign for F11-related condition. Last evaluated: 2024-12-08. Review status: criteria provided, single submitter. Criteria: ACMG Guidelines, 2015. Collection method: clinical testing. Allele origin: germline.
Comment: This variant is classified as likely benign based on ACMG/AMP sequence variant interpretation guidelines (Richards et al. 2015 PMID: 25741868, with internal and published modifications).

Labcorp Genetics (formerly Invitae), Labcorp
Classification: Likely benign. Last evaluated: 2020-06-13. Review status: criteria provided, single submitter. Criteria: Invitae Variant Classification Sherloc (09022015). Collection method: clinical testing. Allele origin: germline.